The following is an entry in ClinVar:

ClinVar aggregate classification (germline): Uncertain significance. Review status: criteria provided, multiple submitters, no conflicts (2 of 4 stars). 3 submissions from 3 submitters: Uncertain significance (2). 1 of the submissions does not count toward it. Last evaluated 2025-08-03.

Conditions:
Inborn genetic diseases. Identifiers: MedGen C0950123, MeSH D030342.
Meniere disease. Also called: Ménière's disease. Identifiers: MedGen C0025281, MONDO:0007972, OMIM 156000.

Allele frequency attached by ClinVar (database versions not stated): gnomAD 0.00001; gnomAD exomes 0.00001; TOPMed 0.00001; ExAC 0.00002.
gnomAD v4.1: 10 of 1,613,990 alleles (0.00062%); highest among the groups gnomAD compares: Admixed American, 0.017%; no homozygotes.

Submissions (3):

Labcorp Genetics (formerly Invitae), Labcorp
Classification: Uncertain significance. Last evaluated: 2025-08-03. Review status: criteria provided, single submitter. Criteria: Invitae Variant Classification Sherloc (09022015). Collection method: clinical testing. Allele origin: germline.
Comment: This sequence change replaces leucine, which is neutral and non-polar, with arginine, which is basic and polar, at codon 1035 of the MYH3 protein (p.Leu1035Arg). This variant is present in population databases (rs748935017, gnomAD 0.02%). This variant has not been reported in the literature in individuals affected with MYH3-related conditions. ClinVar contains an entry for this variant (Variation ID: 2051528). An algorithm developed to predict the effect of missense changes on protein structure and function (PolyPhen-2) suggests that this variant is likely to be tolerated. In summary, the available evidence is currently insufficient to determine the role of this variant in disease. Therefore, it has been classified as a Variant of Uncertain Significance.

Ambry Genetics
Classification: Uncertain significance for Inborn genetic diseases. Last evaluated: 2025-03-07. Review status: criteria provided, single submitter. Criteria: Ambry Variant Classification Scheme 2023. Collection method: clinical testing. Allele origin: germline.

Center for Computational Biology & Bioinformatics, University of California, San Diego
Classification: Uncertain significance for Meniere disease. Last evaluated: 2024-06-03. Review status: no assertion criteria provided. Collection method: research. Allele origin: germline. Affected: yes. Not counted in ClinVar's aggregate classification.

NM_002470.4(MYH3):c.3104T>G (p.Leu1035Arg)

Gene: MYH3 (myosin heavy chain 3; minus strand). Cytogenetic location: 17p13.1.
Variant type: single nucleotide variant.
Coding change: c.3104T>G on transcript NM_002470.4 (MANE Select); coding-DNA position 3104, T replaced by G.
Protein change: p.Leu1035Arg; replaces leucine 1035 with arginine.
Molecular consequence: missense variant.
Genome position (GRCh38, 1-based): chr17:10,639,188, A>C on the plus strand (T>G on the coding strand, the complement: MYH3 is on the minus strand). VCF-style: chr17-10639188-A-C. GRCh37 (hg19) VCF-style: chr17-10542505-A-C.
Other names: c.3104T>G (NM_002470.3); short protein forms L1035R.
Identifiers: ClinVar variation 2051528 (VCV002051528.6), dbSNP rs748935017, ClinGen allele CA8392604.